The following is an entry in ClinVar:

NM_007315.4(STAT1):c.42C>G (p.Phe14Leu)

Gene: STAT1 (signal transducer and activator of transcription 1; minus strand). Cytogenetic location: 2q32.2.
Variant type: single nucleotide variant.
Coding change: c.42C>G on transcript NM_007315.4 (MANE Select); coding-DNA position 42, C replaced by G.
Protein change: p.Phe14Leu; replaces phenylalanine 14 with leucine.
Molecular consequence: missense variant.
Genome position (GRCh38, 1-based): chr2:191,009,962, G>C on the plus strand (C>G on the coding strand, the complement: STAT1 is on the minus strand). VCF-style: chr2-191009962-G-C. GRCh37 (hg19) VCF-style: chr2-191874688-G-C.
Other names: c.42C>G, p.Phe14Leu (NM_001384880.1, NM_001384882.1, NM_001384883.1 and 8 more transcripts); c.48C>G, p.Phe16Leu (NM_001384881.1, NM_001384884.1); short protein forms F14L, F16L.
Identifiers: ClinVar variation 3751217 (VCV003751217.2).

ClinVar aggregate classification (germline): Uncertain significance (1 of 4 stars; one submission).

Conditions:
Mendelian susceptibility to mycobacterial diseases due to partial STAT1 deficiency. Also called: IMMUNODEFICIENCY 31A, MYCOBACTERIOSIS, AUTOSOMAL DOMINANT; STAT1 DEFICIENCY, AUTOSOMAL DOMINANT; Immunodeficiency 31a. Identifiers: Orphanet 319595, MedGen C4013950, MONDO:0013956, OMIM 614892.
Immunodeficiency 31B. Also called: STAT1 DEFICIENCY, AUTOSOMAL RECESSIVE; IMMUNODEFICIENCY 31B, MYCOBACTERIAL AND VIRAL INFECTIONS, AUTOSOMAL RECESSIVE. Identifiers: Orphanet 391311, MedGen C3151088, MONDO:0013427, OMIM 613796.
Autoimmune enteropathy and endocrinopathy - susceptibility to chronic infections syndrome. Also called: Immunodeficiency 31C, autosomal dominant; Immunodeficiency 31C. Identifiers: Orphanet 391487, MedGen C3279990, MONDO:0013599, OMIM 614162.

gnomAD v4.1: 1 of 1,613,968 alleles (0.000062%); highest among the groups gnomAD compares: Middle Eastern, 0.017%; no homozygotes.

Submission:

Labcorp Genetics (formerly Invitae), Labcorp
Classification: Uncertain significance for Mendelian susceptibility to mycobacterial diseases due to partial STAT1 deficiency; Immunodeficiency 31B; Autoimmune enteropathy and endocrinopathy - susceptibility to chronic infections syndrome. Last evaluated: 2024-12-07. Review status: criteria provided, single submitter. Criteria: Invitae Variant Classification Sherloc (09022015). Collection method: clinical testing. Allele origin: germline.
Comment: This sequence change replaces phenylalanine, which is neutral and non-polar, with leucine, which is neutral and non-polar, at codon 14 of the STAT1 protein (p.Phe14Leu). This variant is not present in population databases (gnomAD no frequency). This variant has not been reported in the literature in individuals affected with STAT1-related conditions. An algorithm developed to predict the effect of missense changes on protein structure and function (PolyPhen-2) suggests that this variant is likely to be tolerated. In summary, the available evidence is currently insufficient to determine the role of this variant in disease. Therefore, it has been classified as a Variant of Uncertain Significance.